The following is an entry in ClinVar:

NM_001164508.2(NEB):c.11181+3A>G

Gene: NEB (nebulin; minus strand). Cytogenetic location: 2q23.3.
Variant type: single nucleotide variant.
Coding change: c.11181+3A>G on transcript NM_001164508.2 (MANE Select); 3 bases into the intron after coding-DNA position 11181, A replaced by G.
Molecular consequence: intron variant.
Genome position (GRCh38, 1-based): chr2:151,617,361, T>C on the plus strand (A>G on the coding strand, the complement: NEB is on the minus strand). VCF-style: chr2-151617361-T-C. GRCh37 (hg19) VCF-style: chr2-152473875-T-C.
Other names: c.10452+3A>G (NM_004543.5); c.11181+3A>G (NM_001164507.2, NM_001271208.2).
Identifiers: ClinVar variation 571154 (VCV000571154.7), dbSNP rs1448725511, ClinGen allele CA758904761.

ClinVar aggregate classification (germline): Uncertain significance. Review status: criteria provided, single submitter (1 of 4 stars). 2 submissions from 2 submitters: Uncertain significance (1). 1 of the submissions does not count toward it. Last evaluated 2022-07-05.

Conditions:
Nemaline myopathy 2 (NEM2). Also called: Nemaline myopathy 2, autosomal recessive. Identifiers: MedGen C1850569, MONDO:0009725, OMIM 256030.

Allele frequency attached by ClinVar (database versions not stated): TOPMed below 0.00001; gnomAD 0.00001; gnomAD exomes 0.00001.
gnomAD v4.1: 5 of 1,530,516 alleles (0.00033%); highest among the groups gnomAD compares: Non-Finnish European, 0.00044%; no homozygotes.

Submissions (2):

Labcorp Genetics (formerly Invitae), Labcorp
Classification: Uncertain significance for Nemaline myopathy 2. Last evaluated: 2022-07-05. Review status: criteria provided, single submitter. Criteria: Invitae Variant Classification Sherloc (09022015). Collection method: clinical testing. Allele origin: germline.
Comment: This sequence change falls in intron 75 of the NEB gene. It does not directly change the encoded amino acid sequence of the NEB protein. It affects a nucleotide within the consensus splice site. This variant is not present in population databases (gnomAD no frequency). This variant has not been reported in the literature in individuals affected with NEB-related conditions. ClinVar contains an entry for this variant (Variation ID: 571154). Variants that disrupt the consensus splice site are a relatively common cause of aberrant splicing (PMID: 17576681, 9536098). Algorithms developed to predict the effect of sequence changes on RNA splicing suggest that this variant may disrupt the consensus splice site. In summary, the available evidence is currently insufficient to determine the role of this variant in disease. Therefore, it has been classified as a Variant of Uncertain Significance.

Natera, Inc.
Classification: Uncertain significance for Nemaline myopathy type 2. Last evaluated: 2021-03-16. Review status: no assertion criteria provided. Collection method: clinical testing. Allele origin: germline. Not counted in ClinVar's aggregate classification.

Literature cited by the submitters: PubMed 17576681 (cited by Labcorp Genetics (formerly Invitae), Labcorp); PubMed 9536098 (cited by Labcorp Genetics (formerly Invitae), Labcorp).